The following is an entry in ClinVar:

NM_000183.3(HADHB):c.710C>G (p.Ser237Cys)

Gene: HADHB (hydroxyacyl-CoA dehydrogenase trifunctional multienzyme complex subunit beta; plus strand). Cytogenetic location: 2p23.3.
Variant type: single nucleotide variant.
Coding change: c.710C>G on transcript NM_000183.3 (MANE Select); coding-DNA position 710, C replaced by G.
Protein change: p.Ser237Cys; replaces serine 237 with cysteine.
Molecular consequence: missense variant.
Genome position (GRCh38, 1-based): chr2:26,279,214, C>G. VCF-style: chr2-26279214-C-G. GRCh37 (hg19) VCF-style: chr2-26502082-C-G.
Other names: c.665C>G, p.Ser222Cys (NM_001281512.2); c.644C>G, p.Ser215Cys (NM_001281513.2); short protein forms S222C, S237C, S215C.
Identifiers: ClinVar variation 1955880 (VCV001955880.5), dbSNP rs2465720566, ClinGen allele CA346092994.

ClinVar aggregate classification (germline): Uncertain significance (1 of 4 stars; one submission).

Conditions:
Mitochondrial trifunctional protein deficiency. Identifiers: Orphanet 746, MedGen C1969443, MONDO:0012172.

Submission:

Labcorp Genetics (formerly Invitae), Labcorp
Classification: Uncertain significance for Mitochondrial trifunctional protein deficiency. Last evaluated: 2022-02-20. Review status: criteria provided, single submitter. Criteria: Invitae Variant Classification Sherloc (09022015). Collection method: clinical testing. Allele origin: germline.
Comment: In summary, the available evidence is currently insufficient to determine the role of this variant in disease. Therefore, it has been classified as a Variant of Uncertain Significance. Algorithms developed to predict the effect of missense changes on protein structure and function (SIFT, PolyPhen-2, Align-GVGD) all suggest that this variant is likely to be disruptive. This variant has not been reported in the literature in individuals affected with HADHB-related conditions. This variant is not present in population databases (gnomAD no frequency). This sequence change replaces serine, which is neutral and polar, with cysteine, which is neutral and slightly polar, at codon 237 of the HADHB protein (p.Ser237Cys).